The following is an entry in ClinVar:

NM_003737.4(DCHS1):c.8835G>T (p.Leu2945Phe)

Gene: DCHS1 (dachsous cadherin-related 1; minus strand). Cytogenetic location: 11p15.4.
Variant type: single nucleotide variant.
Coding change: c.8835G>T on transcript NM_003737.4 (MANE Select); coding-DNA position 8835, G replaced by T.
Protein change: p.Leu2945Phe; replaces leucine 2945 with phenylalanine.
Molecular consequence: missense variant.
Genome position (GRCh38, 1-based): chr11:6,622,841, C>A on the plus strand (G>T on the coding strand, the complement: DCHS1 is on the minus strand). VCF-style: chr11-6622841-C-A. GRCh37 (hg19) VCF-style: chr11-6644072-C-A.
Other names: short protein forms L2945F.
Identifiers: ClinVar variation 3009041 (VCV003009041.3), dbSNP rs752075434, ClinGen allele CA5859350.

ClinVar aggregate classification (germline): Uncertain significance (1 of 4 stars; one submission).

Allele frequency attached by ClinVar (database versions not stated): gnomAD exomes below 0.00001; gnomAD 0.00001; TOPMed 0.00001; ExAC 0.00002.
gnomAD v4.1: 3 of 1,595,542 alleles (0.00019%); highest among the groups gnomAD compares: Non-Finnish European, 0.00026%; no homozygotes.

Submission:

Labcorp Genetics (formerly Invitae), Labcorp
Classification: Uncertain significance. Last evaluated: 2023-01-15. Review status: criteria provided, single submitter. Criteria: Invitae Variant Classification Sherloc (09022015). Collection method: clinical testing. Allele origin: germline.
Comment: In summary, the available evidence is currently insufficient to determine the role of this variant in disease. Therefore, it has been classified as a Variant of Uncertain Significance. Advanced modeling of protein sequence and biophysical properties (such as structural, functional, and spatial information, amino acid conservation, physicochemical variation, residue mobility, and thermodynamic stability) performed at Invitae indicates that this missense variant is not expected to disrupt DCHS1 protein function. This variant has not been reported in the literature in individuals affected with DCHS1-related conditions. The frequency data for this variant in the population databases is considered unreliable, as metrics indicate poor data quality at this position in the gnomAD database. This sequence change replaces leucine, which is neutral and non-polar, with phenylalanine, which is neutral and non-polar, at codon 2945 of the DCHS1 protein (p.Leu2945Phe).